The following is an entry in ClinVar:

NM_000138.5(FBN1):c.4538G>C (p.Cys1513Ser)

Gene: FBN1 (fibrillin 1; minus strand). Cytogenetic location: 15q21.1.
Variant type: single nucleotide variant.
Coding change: c.4538G>C on transcript NM_000138.5 (MANE Select); coding-DNA position 4538, G replaced by C.
Protein change: p.Cys1513Ser; replaces cysteine 1513 with serine.
Molecular consequence: missense variant.
Genome position (GRCh38, 1-based): chr15:48,468,456, C>G on the plus strand (G>C on the coding strand, the complement: FBN1 is on the minus strand). VCF-style: chr15-48468456-C-G. GRCh37 (hg19) VCF-style: chr15-48760653-C-G.
Other names: c.4538G>C, p.Cys1513Ser (NM_001406716.1); short protein forms C1513S.
Identifiers: ClinVar variation 3383131 (VCV003383131.2).
Genomic context (GRCh38, chr15:48,468,456, plus strand): 5'-GTTTTTAAGGTCTTACCAACACAGCCAACTCGAGTTGGGTTCAGTTCAAAATCAGGTGGG[C>G]AGTCACAGATATAGCTGCCTGGAGTGTTGACACAGTTCCCACTGATGCACGTGGTTGGAT-3'
Protein context (NP_000129.3, residues 1503-1523): VNTPGSYICD[Cys1513Ser]PPDFELNPTR

ClinVar aggregate classification (germline): Uncertain significance (1 of 4 stars; one submission).

Conditions:
Geleophysic dysplasia 2 (GPHYSD2). Identifiers: Orphanet 2623, MedGen C3280054, MONDO:0013612, OMIM 614185.
Marfan syndrome (MFS). Also called: MARFAN SYNDROME, TYPE I; Marfan syndrome type 1; Marfan's syndrome; FBN1-Related Marfan Syndrome; Marfan syndrome, classic. Identifiers: Orphanet 284963, Orphanet 558, MedGen C0024796, MONDO:0007947, OMIM 154700.
Ectopia lentis 1, isolated, autosomal dominant (ECTOL1). Identifiers: Orphanet 1885, MedGen C3541518, MONDO:0007514, OMIM 129600.
Stiff skin syndrome (SSKS). Identifiers: Orphanet 2833, MedGen C1861456, MONDO:0008492, OMIM 184900.
Acromicric dysplasia (ACMICD). Also called: Acromicric skeletal dysplasia. Identifiers: Orphanet 969, MedGen C0265287, MONDO:0007055, OMIM 102370.
Progeroid and marfanoid aspect-lipodystrophy syndrome. Also called: MARFANOID-PROGEROID SYNDROME; MARFAN-PROGEROID-LIPODYSTROPHY SYNDROME; Marfan lipodystrophy syndrome; MARFANOID-PROGEROID-LIPODYSTROPHY SYNDROME. Identifiers: Orphanet 300382, MedGen C4310796, MONDO:0014831, OMIM 616914.
MASS syndrome (OCTD). Also called: MASS PHENOTYPE; OVERLAP CONNECTIVE TISSUE DISEASE. Identifiers: MedGen C1858556, MONDO:0011431, OMIM 604308.
Weill-Marchesani syndrome 2, dominant. Also called: Weill-Marchesani Syndrome, Autosomal Dominant; FBN1-Related Weill-Marchesani Syndrome. Identifiers: Orphanet 2084, MedGen C1869115, MONDO:0012013, OMIM 608328.

Submission:

Juno Genomics, Hangzhou Juno Genomics, Inc
Classification: Uncertain significance for Acromicric dysplasia; Ectopia lentis 1, isolated, autosomal dominant; Geleophysic dysplasia 2; MASS syndrome; Progeroid and marfanoid aspect-lipodystrophy syndrome; Marfan syndrome; Stiff skin syndrome; Weill-Marchesani syndrome 2, dominant. Review status: criteria provided, single submitter. Criteria: ACMG Guidelines, 2015. Collection method: clinical testing. Allele origin: germline. Affected: yes.
Comment: Absent from controls (or at extremely low frequency if recessive) in Genome Aggregation Database, Exome Sequencing Project, 1000 Genomes Project, or Exome Aggregation Consortium.;Multiple lines of computational evidence support a deleterious effect on the gene or gene product (conservation, evolutionary, splicing impact, etc).